The following is an entry in ClinVar:

NM_000384.3(APOB):c.2826A>T (p.Leu942Phe)

Gene: APOB (apolipoprotein B; minus strand). Cytogenetic location: 2p24.1.
Variant type: single nucleotide variant.
Coding change: c.2826A>T on transcript NM_000384.3 (MANE Select); coding-DNA position 2826, A replaced by T.
Protein change: p.Leu942Phe; replaces leucine 942 with phenylalanine.
Molecular consequence: missense variant.
Genome position (GRCh38, 1-based): chr2:21,019,896, T>A on the plus strand (A>T on the coding strand, the complement: APOB is on the minus strand). VCF-style: chr2-21019896-T-A. GRCh37 (hg19) VCF-style: chr2-21242768-T-A.
Other names: short protein forms L942F.
Identifiers: ClinVar variation 2430851 (VCV002430851.1), dbSNP rs2465398841, ClinGen allele CA346010438.
Genomic context (GRCh38, chr2:21,019,896, plus strand): 5'-GGACTGCCTGTTCTCAATGAGAGGTGGGATCACCTCCGTTTTGGTGGTAGAGACCAAATG[T>A]AATGTGTTGCTGGTGAAGAACAAAAATACCTGAGTTATTGCCAAGTCATGAATCAAAATG-3'
Protein context (NP_000375.3, residues 932-952): PVKLLSGGNT[Leu942Phe]HLVSTTKTEV

ClinVar aggregate classification (germline): Uncertain significance (1 of 4 stars; one submission).

Allele frequency attached by ClinVar (database versions not stated): gnomAD exomes below 0.00001.
gnomAD v4.1: 1 of 1,614,188 alleles (0.000062%); highest among the groups gnomAD compares: Non-Finnish European, 0.000085%; no homozygotes.

Submission:

GeneDx
Classification: Uncertain significance. Last evaluated: 2022-08-19. Review status: criteria provided, single submitter. Criteria: GeneDx Variant Classification Process June 2021. Collection method: clinical testing. Allele origin: germline. Affected: yes.
Comment: Has not been previously published as pathogenic or benign to our knowledge; Not observed at significant frequency in large population cohorts (gnomAD); In silico analysis supports that this missense variant does not alter protein structure/function